The following is an entry in ClinVar:

NM_001110556.2(FLNA):c.1430-16del

Gene: FLNA (filamin A; minus strand). Cytogenetic location: Xq28.
Variant type: Deletion.
Coding change: c.1430-16del on transcript NM_001110556.2 (MANE Select); 16 bases into the intron before coding-DNA position 1430, one base deleted (G; older notation c.1430-16delG).
Molecular consequence: intron variant.
Genome position (GRCh38, 1-based): chrX:154,365,502, C deleted on the plus strand (G on the coding strand, the reverse complement: FLNA is on the minus strand); the first of 2 consecutive C bases (chrX:154,365,502-154,365,503); deleting either gives the same sequence. VCF-style (leftmost placement, unchanged base first): chrX-154365501-GC-G. GRCh37 (hg19) VCF-style: chrX-153593869-GC-G.
Other names: c.1430-16delG (NM_001456.3); c.1430-16del (NM_001456.4).
Identifiers: ClinVar variation 507846 (VCV000507846.6), dbSNP rs782361173, ClinGen allele CA10561178.
Genomic context (GRCh38, chrX:154,365,501, plus strand): 5'-GGCTGGAGGCCCCGGCCAACCGCCCGGCAGGCACTCGGGTTACAGGCTGCAGGCAGAGGG[GC>G]CAGCTGAGCACCAGCAGCTCGGCTGGGCGACCCCTCCCTTGCCTCCCACAGGGCCGGGCT-3'

ClinVar aggregate classification (germline): Benign/Likely benign. Review status: criteria provided, multiple submitters, no conflicts (2 of 4 stars). 2 submissions from 2 submitters: Benign (1); Likely benign (1). Last evaluated 2025-02-17.

Conditions:
Melnick-Needles syndrome (MNS). Also called: MELNICK-NEEDLES OSTEODYSPLASTY; Melnick-Needles Syndrome (FLNA-MNS); OSTEODYSPLASTY OF MELNICK AND NEEDLES. Identifiers: Orphanet 2484, MedGen C0025237, MONDO:0010650, OMIM 309350.
Frontometaphyseal dysplasia (FMD1). Identifiers: Orphanet 1826, MedGen C0265293, MONDO:0015942.
Heterotopia, periventricular, X-linked dominant (PVNH1). Also called: PERIVENTRICULAR NODULAR HETEROTOPIA 4; HETEROTOPIA, PERIVENTRICULAR, 1; PERIVENTRICULAR NODULAR HETEROTOPIA 1; X-linked periventricular heterotopia. Identifiers: Orphanet 2149, Orphanet 82004, MedGen C1848213, MONDO:0010233, OMIM 300049.
Oto-palato-digital syndrome, type II (OPD2). Also called: Otopalatodigital Syndrome Type 2 (FLNA-OPD2); FACIOPALATOOSSEOUS SYNDROME; OPD II SYNDROME; Otopalatodigital Syndrome, Type II. Identifiers: Orphanet 669, Orphanet 90652, MedGen C1844696, MONDO:0010571, OMIM 304120.

Submissions (2):

Labcorp Genetics (formerly Invitae), Labcorp
Classification: Benign for Oto-palato-digital syndrome, type II; Heterotopia, periventricular, X-linked dominant; Frontometaphyseal dysplasia; Melnick-Needles syndrome. Last evaluated: 2025-02-17. Review status: criteria provided, single submitter. Criteria: Invitae Variant Classification Sherloc (09022015). Collection method: clinical testing. Allele origin: germline.

GeneDx
Classification: Likely benign. Last evaluated: 2017-03-09. Review status: criteria provided, single submitter. Criteria: GeneDx Variant Classification (06012015). Collection method: clinical testing. Allele origin: germline. Affected: yes.
Comment: This variant is considered likely benign or benign based on one or more of the following criteria: it is a conservative change, it occurs at a poorly conserved position in the protein, it is predicted to be benign by multiple in silico algorithms, and/or has population frequency not consistent with disease.